The following is an entry in ClinVar:

ClinVar aggregate classification (germline): Uncertain significance (1 of 4 stars; one submission).

Allele frequency attached by ClinVar (database versions not stated): gnomAD exomes below 0.00001.
gnomAD v4.1: 2 of 1,161,400 alleles (0.00017%); highest among the groups gnomAD compares: South Asian, 0.0012%; no homozygotes.

Submission:

Labcorp Genetics (formerly Invitae), Labcorp
Classification: Uncertain significance. Last evaluated: 2022-08-10. Review status: criteria provided, single submitter. Criteria: Invitae Variant Classification Sherloc (09022015). Collection method: clinical testing. Allele origin: germline.
Comment: In summary, the available evidence is currently insufficient to determine the role of this variant in disease. Therefore, it has been classified as a Variant of Uncertain Significance. This variant is not present in population databases (gnomAD no frequency). Experimental studies and prediction algorithms are not available or were not evaluated, and the effect of this variant on mRNA splicing is currently unknown. This variant has not been reported in the literature in individuals affected with POLR3F-related conditions. This sequence change falls in intron 3 of the POLR3F gene. It does not directly change the encoded amino acid sequence of the POLR3F protein.

NM_006466.4(POLR3F):c.249-12A>G

Gene: POLR3F (RNA polymerase III subunit F; plus strand). Cytogenetic location: 20p11.23.
Variant type: single nucleotide variant.
Coding change: c.249-12A>G on transcript NM_006466.4 (MANE Select); 12 bases into the intron before coding-DNA position 249, A replaced by G.
Molecular consequence: intron variant.
Genome position (GRCh38, 1-based): chr20:18,473,379, A>G. VCF-style: chr20-18473379-A-G. GRCh37 (hg19) VCF-style: chr20-18454023-A-G.
Other names: c.126-12A>G (NM_001282526.2).
Identifiers: ClinVar variation 2023482 (VCV002023482.4), dbSNP rs2517418864, ClinGen allele CA2580097912.
Genomic context (GRCh38, chr20:18,473,379, plus strand): 5'-TTAAGTAGTGATGTAGATTATTAGATTATCCTATAGTCCTTACCTTACTAATTTTACTTT[A>G]TTCCACTACAGTAAAATGAAGGGATCCGATAACCAAGAAAAACTAGTATATCAAATCATA-3'